The following is an entry in ClinVar:

NM_004523.4(KIF11):c.2548-1G>A

Gene: KIF11 (kinesin family member 11; plus strand). Cytogenetic location: 10q23.33.
Variant type: single nucleotide variant.
Coding change: c.2548-1G>A on transcript NM_004523.4 (MANE Select); the canonical splice acceptor site of the intron before coding-DNA position 2548, G replaced by A.
Molecular consequence: splice acceptor variant.
Genome position (GRCh38, 1-based): chr10:92,648,211, G>A. VCF-style: chr10-92648211-G-A. GRCh37 (hg19) VCF-style: chr10-94407968-G-A.
Identifiers: ClinVar variation 435615 (VCV000435615.7), dbSNP rs1554863016, ClinGen allele CA377805285.

ClinVar aggregate classification (germline): Pathogenic. Review status: criteria provided, multiple submitters, no conflicts (2 of 4 stars). 2 submissions from 2 submitters: Pathogenic (2). Last evaluated 2018-06-15.

Conditions:
Microcephaly with or without chorioretinopathy, lymphedema, or impaired intellectual development. Also called: MICROCEPHALY AND CHORIORETINOPATHY WITH OR WITHOUT MENTAL RETARDATION, AUTOSOMAL DOMINANT; Microcephaly with or without chorioretinopathy, lymphedema, or mental retardation; Microcephaly lymphedema chorioretinal dysplasia; Microcephaly with or without chorioretinopathy, lymphedema, or intellectual disability; MICROCEPHALY, LYMPHEDEMA, CHORIORETINAL DYSPLASIA SYNDROME. Identifiers: Orphanet 2526, MedGen C1835265, MONDO:0007918, OMIM 152950.

Submissions (2):

Broad Center for Mendelian Genomics, Broad Institute of MIT and Harvard
Classification: Pathogenic for Microcephaly with or without chorioretinopathy, lymphedema, or impaired intellectual development. Last evaluated: 2018-06-15. Review status: criteria provided, single submitter. Criteria: ACMG Guidelines, 2015. Collection method: research. Allele origin: germline. Inheritance: Autosomal dominant inheritance. Affected: yes.
Comment: Trio exome analysis showed this variant to be de novo. This variant was absent from large population studies. The c.2548-1G>A variant occurs in the invariant region (+/- 1/2) of the splice consensus sequence and is predicted to cause altered splicing leading to an abnormal or absent protein. Loss of function of the KIF11 gene is an established disease mechanism in autosomal dominant microcephaly, and this is likely a loss of function variant. In summary, this variant is pathogenic.

Genetic Services Laboratory, University of Chicago
Classification: Pathogenic for Microcephaly with or without chorioretinopathy, lymphedema, or mental retardation. Last evaluated: 2017-03-02. Review status: criteria provided, single submitter. Criteria: ACMG Guidelines, 2015. Collection method: clinical testing. Allele origin: germline. Affected: yes.